The following is an entry in ClinVar:

NM_000090.4(COL3A1):c.3686T>C (p.Ile1229Thr)

Gene: COL3A1 (collagen type III alpha 1 chain; plus strand). Cytogenetic location: 2q32.2.
Variant type: single nucleotide variant.
Coding change: c.3686T>C on transcript NM_000090.4 (MANE Select); coding-DNA position 3686, T replaced by C.
Protein change: p.Ile1229Thr; replaces isoleucine 1229 with threonine.
Molecular consequence: missense variant.
Genome position (GRCh38, 1-based): chr2:189,009,084, T>C. VCF-style: chr2-189009084-T-C. GRCh37 (hg19) VCF-style: chr2-189873810-T-C.
Other names: short protein forms I1229T.
Identifiers: ClinVar variation 3386492 (VCV003386492.1).

ClinVar aggregate classification (germline): Uncertain significance (1 of 4 stars; one submission).

Conditions:
Ehlers-Danlos syndrome, type 4 (EDSVASC). Also called: Ehlers-Danlos syndrome vascular type; Ehlers Danlos syndrome, ecchymotic type; Ehlers Danlos syndrome, arterial type; Ehlers Danlos syndrome, Sack-Barabas type; Ehlers-Danlos Syndrome Type IV. Identifiers: Orphanet 286, MedGen C0268338, MONDO:0017314, OMIM 130050.

gnomAD v4.1: 2 of 1,614,036 alleles (0.00012%); highest among the groups gnomAD compares: Non-Finnish European, 0.00017%; no homozygotes.

Submission:

All of Us Research Program, National Institutes of Health
Classification: Uncertain significance for Ehlers-Danlos syndrome, type 4. Last evaluated: 2024-09-03. Review status: criteria provided, single submitter. Criteria: ACMG Guidelines, 2015. Collection method: clinical testing. Allele origin: germline. Inheritance: Autosomal dominant inheritance. Observed: 1 variant allele, 1 heterozygote.
Comment: This study involves interpretation of variants in research participants for the purpose of population health screening. Participant phenotype was not available at the time of variant classification. Additional details can be found in publication PMID: 35346344, PMCID: PMC8962531